The following is an entry in ClinVar:

NM_020975.6(RET):c.847G>A (p.Val283Met)

Gene: RET (ret proto-oncogene; plus strand). Cytogenetic location: 10q11.21.
Variant type: single nucleotide variant.
Coding change: c.847G>A on transcript NM_020975.6 (MANE Select); coding-DNA position 847, G replaced by A.
Protein change: p.Val283Met; replaces valine 283 with methionine.
Molecular consequence: missense variant. On other transcripts: intron variant (22).
Genome position (GRCh38, 1-based): chr10:43,105,173, G>A. VCF-style: chr10-43105173-G-A. GRCh37 (hg19) VCF-style: chr10-43600621-G-A.
Other names: c.85G>A, p.Val29Met (NM_001355216.2); c.847G>A, p.Val283Met (NM_001406743.1, NM_001406744.1, NM_001406759.1 and 6 more transcripts); c.718G>A, p.Val240Met (NM_001406761.1, NM_001406762.1, NM_001406764.1 and 2 more transcripts); c.559G>A, p.Val187Met (NM_001406766.1, NM_001406767.1, NM_001406770.1); c.625+2544G>A (NM_001406773.1, NM_001406771.1, NM_001406782.1 and 5 more transcripts); c.496+2544G>A (NM_001406786.1, NM_001406783.1); c.338-3858G>A (NM_001406778.1, NM_001406775.1, NM_001406776.1 and 1 more transcripts); c.337+4451G>A (NM_001406790.1, NM_001406788.1, NM_001406789.1 and 1 more transcripts); and 2 more; short protein forms V240M, V29M, V283M, V187M.
Identifiers: ClinVar variation 5028152 (VCV005028152.1).

ClinVar aggregate classification (germline): Uncertain significance (1 of 4 stars; one submission).

Conditions:
Hereditary cancer-predisposing syndrome. Also called: Neoplastic Syndromes, Hereditary; Tumor predisposition; Hereditary neoplastic syndrome; Hereditary Cancer Syndrome. Identifiers: Orphanet 140162, MedGen C0027672, MeSH D009386, MONDO:0015356.

Submission:

Ambry Genetics
Classification: Uncertain significance for Hereditary cancer-predisposing syndrome. Last evaluated: 2026-07-07. Review status: criteria provided, single submitter. Criteria: Ambry Variant Classification Scheme 2023. Collection method: clinical testing. Allele origin: germline.
Comment: The p.V283M variant (also known as c.847G>A), located in coding exon 4 of the RET gene, results from a G to A substitution at nucleotide position 847. The valine at codon 283 is replaced by methionine, an amino acid with highly similar properties. This amino acid position is conserved. In addition, the in silico prediction for this alteration is inconclusive. Based on the available evidence, the clinical significance of this variant remains unclear.